The following is an entry in ClinVar:

ClinVar aggregate classification (germline): Uncertain significance (1 of 4 stars; one submission).

gnomAD v4.1: 4 of 1,614,012 alleles (0.00025%); highest among the groups gnomAD compares: African/African-American, 0.0027%; no homozygotes.

Submission:

Labcorp Genetics (formerly Invitae), Labcorp
Classification: Uncertain significance. Last evaluated: 2025-06-12. Review status: criteria provided, single submitter. Criteria: Invitae Variant Classification Sherloc (09022015). Collection method: clinical testing. Allele origin: germline.
Comment: This sequence change replaces proline, which is neutral and non-polar, with serine, which is neutral and polar, at codon 1458 of the COL4A3 protein (p.Pro1458Ser). This variant is not present in population databases (gnomAD no frequency). This variant has not been reported in the literature in individuals affected with COL4A3-related conditions. Invitae Evidence Modeling of protein sequence and biophysical properties (such as structural, functional, and spatial information, amino acid conservation, physicochemical variation, residue mobility, and thermodynamic stability) indicates that this missense variant is expected to disrupt COL4A3 protein function with a positive predictive value of 80%. In summary, the available evidence is currently insufficient to determine the role of this variant in disease. Therefore, it has been classified as a Variant of Uncertain Significance.

NM_000091.5(COL4A3):c.4372C>T (p.Pro1458Ser)

Genes: COL4A3 (collagen type IV alpha 3 chain; plus strand), MFF-DT (MFF divergent transcript; minus strand). Cytogenetic location: 2q36.3.
Variant type: single nucleotide variant.
Coding change: c.4372C>T on transcript NM_000091.5 (MANE Select); coding-DNA position 4372, C replaced by T.
Protein change: p.Pro1458Ser; replaces proline 1458 with serine.
Molecular consequence: missense variant.
Genome position (GRCh38, 1-based): chr2:227,307,829, C>T. VCF-style: chr2-227307829-C-T. GRCh37 (hg19) VCF-style: chr2-228172545-C-T.
Other names: short protein forms P1458S.
Identifiers: ClinVar variation 4750084 (VCV004750084.1).
Genomic context (GRCh38, chr2:227,307,829, plus strand): 5'-CCTGCAACCTGGACAACGAGAGGCTTTGTCTTCACCCGACACAGTCAAACCACAGCAATT[C>T]CTTCATGTCCAGAGGGGACAGTGCCACTCTACAGTGGGTTTTCTTTTCTTTTTGTACAAG-3'
Protein context (NP_000082.2, residues 1448-1468): FTRHSQTTAI[Pro1458Ser]SCPEGTVPLY